The following is an entry in ClinVar:

ClinVar aggregate classification (germline): Pathogenic. Review status: criteria provided, multiple submitters, no conflicts (2 of 4 stars). 2 submissions from 2 submitters: Pathogenic (2). Last evaluated 2024-08-14.

Conditions:
Neurofibromatosis, type 1 (NF1). Also called: VON RECKLINGHAUSEN DISEASE; NEUROFIBROMATOSIS, TYPE I, SOMATIC; Neurofibromatosis, type I; Peripheral type neurofibromatosis. Identifiers: Orphanet 636, MedGen C0027831, MONDO:0018975, OMIM 162200. Disease mechanism: loss of function.

Submissions (2):

Labcorp Genetics (formerly Invitae), Labcorp
Classification: Pathogenic for Neurofibromatosis, type 1. Last evaluated: 2024-08-14. Review status: criteria provided, single submitter. Criteria: Invitae Variant Classification Sherloc (09022015). Collection method: clinical testing. Allele origin: germline.
Comment: This sequence change creates a premature translational stop signal (p.Glu2255*) in the NF1 gene. It is expected to result in an absent or disrupted protein product. Loss-of-function variants in NF1 are known to be pathogenic (PMID: 10712197, 23913538). This variant is not present in population databases (gnomAD no frequency). This variant has not been reported in the literature in individuals affected with NF1-related conditions. ClinVar contains an entry for this variant (Variation ID: 1427903). For these reasons, this variant has been classified as Pathogenic.

GeneDx
Classification: Pathogenic. Last evaluated: 2023-06-26. Review status: criteria provided, single submitter. Criteria: GeneDx Variant Classification Process June 2021. Collection method: clinical testing. Allele origin: germline. Affected: yes.
Comment: Nonsense variant predicted to result in protein truncation or nonsense mediated decay in a gene for which loss of function is a known mechanism of disease; Not observed at significant frequency in large population cohorts (gnomAD); This variant is associated with the following publications: (PMID: 27322474, 35240321)

Literature cited by the submitters: PubMed 10712197 (cited by Labcorp Genetics (formerly Invitae), Labcorp); PubMed 23913538 (cited by Labcorp Genetics (formerly Invitae), Labcorp).

NM_001042492.3(NF1):c.6826G>T (p.Glu2276Ter)

Gene: NF1 (neurofibromin 1; plus strand). Cytogenetic location: 17q11.2.
Variant type: single nucleotide variant.
Coding change: c.6826G>T on transcript NM_001042492.3 (MANE Select); coding-DNA position 6826, G replaced by T.
Protein change: p.Glu2276Ter; replaces glutamic acid 2276 with a stop codon.
Molecular consequence: nonsense.
Genome position (GRCh38, 1-based): chr17:31,338,710, G>T. VCF-style: chr17-31338710-G-T. GRCh37 (hg19) VCF-style: chr17-29665728-G-T.
Other names: c.6763G>T, p.Glu2255Ter (NM_000267.4); short protein forms E2255*, E2276*.
Identifiers: ClinVar variation 1427903 (VCV001427903.7), dbSNP rs2069742475, ClinGen allele CA399014251.